The following is an entry in ClinVar:

NM_030578.4(B9D2):c.163_164delinsAA (p.Ala55Asn)

Gene: B9D2 (B9 domain containing 2; minus strand). Cytogenetic location: 19q13.2.
Variant type: Indel.
Coding change: c.163_164delinsAA on transcript NM_030578.4 (MANE Select); coding-DNA positions 163 to 164, GC replaced by AA.
Protein change: p.Ala55Asn; replaces alanine 55 with asparagine.
Molecular consequence: missense variant.
Genome position (GRCh38, 1-based): chr19:41,357,947-41,357,948, GC replaced by TT on the plus strand (GC replaced by AA on the coding strand, the reverse complement: B9D2 is on the minus strand). VCF-style: chr19-41357947-GC-TT. GRCh37 (hg19) VCF-style: chr19-41863852-GC-TT.
Other names: short protein forms A55N.
Identifiers: ClinVar variation 461769 (VCV000461769.1), dbSNP rs1555756363, ClinGen allele CA658658819.
Genomic context (GRCh38, chr19:41,357,947, plus strand): 5'-TGATACCCACCTTGAAGACCTTTGGTGGCGAAGTGCAGGTCGATGGGGTGGGACCAGTAA[GC>TT]CATGTCCCCTATCTGCGGGGTGTCCACTTGCGTTTGGCCCTCCCGCACGCCTGACAGGAG-3'
Protein context (NP_085055.2, residues 45-65): QVDTPQIGDM[Ala55Asn]YWSHPIDLHF

ClinVar aggregate classification (germline): Uncertain significance (1 of 4 stars; one submission).

Conditions:
Meckel-Gruber syndrome. Also called: DYSENCEPHALIA SPLANCHNOCYSTICA; GRUBER SYNDROME; Dysencephalia splachnocystica. Identifiers: Orphanet 564, MedGen C0265215, MONDO:0018921.
Joubert syndrome. Also called: CEREBELLOPARENCHYMAL DISORDER IV; JOUBERT-BOLTSHAUSER SYNDROME; Familial aplasia of the vermis. Identifiers: Orphanet 475, MedGen C5979921, MONDO:0018772.

Submission:

Labcorp Genetics (formerly Invitae), Labcorp
Classification: Uncertain significance for Joubert syndrome; Meckel-Gruber syndrome. Last evaluated: 2017-04-11. Review status: criteria provided, single submitter. Criteria: Invitae Variant Classification Sherloc (09022015). Collection method: clinical testing. Allele origin: germline.
Comment: This sequence change deletes 2 nucleotides and inserts 2 nucleotides in exon 3 of the B9D2 mRNA (c.163_164delinsAA), replacing alanine with asparagine at codon 55 of the B9D2 protein (p.Ala55Asn). The alanine residue is highly conserved and there is a moderate physicochemical difference between alanine and asparagine. This variant is reported as two separate single-nucleotide changes in the ExAC database (c.163G>A and c.164C>A), but the read data shows that the two variants are in cis, recapitulating the variant observed here (c.163_164delinsAA), in 2 individuals. It has not been reported in the literature in individuals with a B9D2-related disease Algorithms developed to predict the effect of missense changes on protein structure and function do not agree on the potential impact of this missense change (SIFT: "Deleterious"; PolyPhen-2: "Benign"; Align-GVGD: "Class C0"). In summary, this variant is a rare missense change with uncertain impact on protein function. There is no indication that it causes disease, but the available evidence is currently insufficient to prove that conclusively. Therefore, it has been classified as a Variant of Uncertain Significance.